The following is an entry in ClinVar:

ClinVar aggregate classification (germline): Uncertain significance (1 of 4 stars; one submission).

Conditions:
Peroxisome biogenesis disorder 11A (Zellweger). Also called: Peroxisome biogenesis disorder 11A. Identifiers: Orphanet 912, MedGen C3554000, MONDO:0013949, OMIM 614883.

Allele frequency attached by ClinVar (database versions not stated): gnomAD 0.00001; gnomAD exomes 0.00001.
gnomAD v4.1: 4 of 1,549,650 alleles (0.00026%); highest among the groups gnomAD compares: Admixed American, 0.0039%; no homozygotes.

Submission:

Labcorp Genetics (formerly Invitae), Labcorp
Classification: Uncertain significance for Peroxisome biogenesis disorder 11A (Zellweger). Last evaluated: 2021-10-09. Review status: criteria provided, single submitter. Criteria: Invitae Variant Classification Sherloc (09022015). Collection method: clinical testing. Allele origin: germline.
Comment: This sequence change replaces serine with cysteine at codon 3 of the PEX13 protein (p.Ser3Cys). The serine residue is highly conserved and there is a moderate physicochemical difference between serine and cysteine. The frequency data for this variant in the population databases is considered unreliable, as metrics indicate insufficient coverage at this position in the ExAC database. This variant has not been reported in the literature in individuals affected with PEX13-related conditions. Algorithms developed to predict the effect of missense changes on protein structure and function are either unavailable or do not agree on the potential impact of this missense change (SIFT: "Deleterious"; PolyPhen-2: "Possibly Damaging"; Align-GVGD: "Class C0"). In summary, the available evidence is currently insufficient to determine the role of this variant in disease. Therefore, it has been classified as a Variant of Uncertain Significance.

NM_002618.4(PEX13):c.8C>G (p.Ser3Cys)

Genes: PEX13 (peroxisomal biogenesis factor 13; plus strand), PUS10 (pseudouridine synthase 10; minus strand). Cytogenetic location: 2p15.
Variant type: single nucleotide variant.
Coding change: c.8C>G on transcript NM_002618.4 (MANE Select); coding-DNA position 8, C replaced by G.
Protein change: p.Ser3Cys; replaces serine 3 with cysteine.
Molecular consequence: missense variant. On other transcripts: intron variant (2).
Genome position (GRCh38, 1-based): chr2:61,017,767, C>G. VCF-style: chr2-61017767-C-G. GRCh37 (hg19) VCF-style: chr2-61244902-C-G.
Other names: c.-16+241G>C (NM_144709.4); c.-623+241G>C (NM_001322127.1); short protein forms S3C.
Identifiers: ClinVar variation 1412893 (VCV001412893.3), dbSNP rs950397917, ClinGen allele CA48328100.
Genomic context (GRCh38, chr2:61,017,767, plus strand): 5'-CGCGGGCCTGGACAGTCAGGGGTAGGAGCGGGAGCCGAGAGGAGGCGGAGGAGATGGCGT[C>G]CCAGCCGCCACCTCCCCCCAAACCCTGGGAGACCCGCCGAATTCCGGGAGCCGGACCGGG-3'
Protein context (NP_002609.1, residues 1-13): MA[Ser3Cys]QPPPPPKPWE